The following is an entry in ClinVar:

ClinVar aggregate classification (germline): Likely pathogenic (1 of 4 stars; one submission).

Submission:

GeneDx
Classification: Likely pathogenic. Last evaluated: 2016-04-06. Review status: criteria provided, single submitter. Criteria: GeneDx Variant Classification (06012015). Collection method: clinical testing. Allele origin: germline. Affected: yes.
Comment: The S1213A variant in the ABCC9 gene has not been reported previously as a pathogenic variant, nor as a benign variant, to our knowledge. This variant was not observed in approximately 6500 individuals of European and African American ancestry in the NHLBI Exome Sequencing Project, indicating it is not a common benign variant in these populations. The S1213A variant is a non-conservative amino acid substitution, which is likely to impact secondary protein structure as these residues differ in polarity, charge, size and/or other properties, and occurs at a position that is conserved across species. In silico analysis is inconsistent in its predictions as to whether or not the variant is damaging to the protein structure/function. The S1213A variant is a strong candidate for a pathogenic variant.

NM_020297.4(ABCC9):c.3637T>G (p.Ser1213Ala)

Genes: ABCC9 (ATP binding cassette subfamily C member 9; minus strand), KCNJ8-AS1 (KCNJ8 antisense RNA 1; plus strand). Cytogenetic location: 12p12.1.
Variant type: single nucleotide variant.
Coding change: c.3637T>G on transcript NM_020297.4 (MANE Select); coding-DNA position 3637, T replaced by G.
Protein change: p.Ser1213Ala; replaces serine 1213 with alanine.
Molecular consequence: missense variant.
Genome position (GRCh38, 1-based): chr12:21,828,990, A>C on the plus strand (T>G on the coding strand, the complement: ABCC9 is on the minus strand). VCF-style: chr12-21828990-A-C. GRCh37 (hg19) VCF-style: chr12-21981924-A-C.
Other names: c.3637T>G, p.Ser1213Ala (NM_001377273.1, NM_005691.4); c.2770T>G, p.Ser924Ala (NM_001377274.1); short protein forms S1213A, S924A.
Identifiers: ClinVar variation 420903 (VCV000420903.2), dbSNP rs1064794779, ClinGen allele CA16619502.